The following is an entry in ClinVar:

ClinVar aggregate classification (germline): Uncertain significance. Review status: criteria provided, multiple submitters, no conflicts (2 of 4 stars). 2 submissions from 2 submitters: Uncertain significance (2). Last evaluated 2025-04-01.

Conditions:
Inborn genetic diseases. Identifiers: MedGen C0950123, MeSH D030342.
Nemaline myopathy 8 (NEM8). Also called: Nemaline myopathy 8, autosomal recessive. Identifiers: Orphanet 171430, MedGen C3809209, MONDO:0014138, OMIM 615348.

Allele frequency attached by ClinVar (database versions not stated): gnomAD exomes below 0.00001.

Submissions (2):

Ambry Genetics
Classification: Uncertain significance for Inborn genetic diseases. Last evaluated: 2025-04-01. Review status: criteria provided, single submitter. Criteria: Ambry Variant Classification Scheme 2023. Collection method: clinical testing. Allele origin: germline.

Labcorp Genetics (formerly Invitae), Labcorp
Classification: Uncertain significance for Nemaline myopathy 8. Last evaluated: 2022-07-19. Review status: criteria provided, single submitter. Criteria: Invitae Variant Classification Sherloc (09022015). Collection method: clinical testing. Allele origin: germline.
Comment: This sequence change replaces serine, which is neutral and polar, with arginine, which is basic and polar, at codon 353 of the KLHL40 protein (p.Ser353Arg). This variant is present in population databases (no rsID available, gnomAD no frequency). This variant has not been reported in the literature in individuals affected with KLHL40-related conditions. Algorithms developed to predict the effect of missense changes on protein structure and function (SIFT, PolyPhen-2, Align-GVGD) all suggest that this variant is likely to be disruptive. In summary, the available evidence is currently insufficient to determine the role of this variant in disease. Therefore, it has been classified as a Variant of Uncertain Significance.

NM_152393.4(KLHL40):c.1057A>C (p.Ser353Arg)

Gene: KLHL40 (kelch like family member 40; plus strand). Cytogenetic location: 3p22.1.
Variant type: single nucleotide variant.
Coding change: c.1057A>C on transcript NM_152393.4 (MANE Select); coding-DNA position 1057, A replaced by C.
Protein change: p.Ser353Arg; replaces serine 353 with arginine.
Molecular consequence: missense variant.
Genome position (GRCh38, 1-based): chr3:42,686,675, A>C. VCF-style: chr3-42686675-A-C. GRCh37 (hg19) VCF-style: chr3-42728167-A-C.
Other names: c.1057A>C (NM_152393.2); short protein forms S353R.
Identifiers: ClinVar variation 2100749 (VCV002100749.3), dbSNP rs1218692547, ClinGen allele CA352292377.